The following is an entry in ClinVar:

NM_022552.5(DNMT3A):c.1420C>T (p.Arg474Cys)

Gene: DNMT3A (DNA methyltransferase 3 alpha; minus strand). Cytogenetic location: 2p23.3.
Variant type: single nucleotide variant.
Coding change: c.1420C>T on transcript NM_022552.5 (MANE Select); coding-DNA position 1420, C replaced by T.
Protein change: p.Arg474Cys; replaces arginine 474 with cysteine.
Molecular consequence: missense variant. On other transcripts: non-coding transcript variant (1).
Genome position (GRCh38, 1-based): chr2:25,246,169, G>A on the plus strand (C>T on the coding strand, the complement: DNMT3A is on the minus strand). VCF-style: chr2-25246169-G-A. GRCh37 (hg19) VCF-style: chr2-25469038-G-A.
Other names: c.964C>T, p.Arg322Cys (NM_001320893.1); c.751C>T, p.Arg251Cys (NM_001375819.1); c.853C>T, p.Arg285Cys (NM_153759.3); c.1420C>T, p.Arg474Cys (NM_175629.2); short protein forms R322C, R474C, R251C, R285C.
Identifiers: ClinVar variation 3718262 (VCV003718262.3).

ClinVar aggregate classification (germline): Uncertain significance. Review status: criteria provided, multiple submitters, no conflicts (2 of 4 stars). 2 submissions from 2 submitters: Uncertain significance (2). Last evaluated 2025-04-24.

Conditions:
Tatton-Brown-Rahman overgrowth syndrome. Also called: Tatton-Brown-Rahman syndrome; Tall stature-intellectual disability-facial dysmorphism syndrome. Identifiers: Orphanet 404443, MedGen C4014545, MONDO:0014382, OMIM 615879.
DNMT3A-related disorder. Also called: DNMT3A-related condition; DNMT3A-related disorders.

gnomAD v4.1: 10 of 1,613,942 alleles (0.00062%); highest among the groups gnomAD compares: East Asian, 0.0022%; no homozygotes.

Submissions (2):

PreventionGenetics, part of Exact Sciences
Classification: Uncertain significance for DNMT3A-related condition. Last evaluated: 2025-04-24. Review status: criteria provided, single submitter. Criteria: ACMG Guidelines, 2015. Collection method: clinical testing. Allele origin: germline.
Comment: The DNMT3A c.1420C>T variant is predicted to result in the amino acid substitution p.Arg474Cys. To our knowledge, this variant has not been reported in the literature. This variant is reported in 0.0031% of alleles in individuals of European (Non-Finnish) descent in gnomAD. At this time, the clinical significance of this variant is uncertain due to the absence of conclusive functional and genetic evidence.

Labcorp Genetics (formerly Invitae), Labcorp
Classification: Uncertain significance for Tatton-Brown-Rahman overgrowth syndrome. Last evaluated: 2024-12-23. Review status: criteria provided, single submitter. Criteria: Invitae Variant Classification Sherloc (09022015). Collection method: clinical testing. Allele origin: germline.
Comment: This sequence change replaces arginine, which is basic and polar, with cysteine, which is neutral and slightly polar, at codon 474 of the DNMT3A protein (p.Arg474Cys). This variant is present in population databases (rs775263815, gnomAD 0.003%). This variant has not been reported in the literature in individuals affected with DNMT3A-related conditions. Invitae Evidence Modeling of protein sequence and biophysical properties (such as structural, functional, and spatial information, amino acid conservation, physicochemical variation, residue mobility, and thermodynamic stability) indicates that this missense variant is not expected to disrupt DNMT3A protein function with a negative predictive value of 95%. In summary, the available evidence is currently insufficient to determine the role of this variant in disease. Therefore, it has been classified as a Variant of Uncertain Significance.